The following is an entry in ClinVar:

ClinVar aggregate classification (germline): Likely benign. Review status: criteria provided, multiple submitters, no conflicts (2 of 4 stars). 3 submissions from 3 submitters: Likely benign (3). Last evaluated 2025-06-27.

Conditions:
Gorlin syndrome. Also called: Basal cell nevus syndrome; Nevoid Basal Cell Carcinoma Syndrome. Identifiers: Orphanet 377, MedGen C0004779, MONDO:0007187.
Hereditary cancer-predisposing syndrome. Also called: Neoplastic Syndromes, Hereditary; Tumor predisposition; Hereditary neoplastic syndrome; Hereditary Cancer Syndrome. Identifiers: Orphanet 140162, MedGen C0027672, MeSH D009386, MONDO:0015356.

Submissions (3):

Ambry Genetics
Classification: Likely benign for Hereditary cancer-predisposing syndrome. Last evaluated: 2025-06-27. Review status: criteria provided, single submitter. Criteria: Ambry Variant Classification Scheme 2023. Collection method: clinical testing. Allele origin: germline.

CeGaT Center for Human Genetics Tuebingen
Classification: Likely benign. Last evaluated: 2024-05-01. Review status: criteria provided, single submitter. Criteria: CeGaT Center For Human Genetics Tuebingen Variant Classification Criteria Version 2. Collection method: clinical testing. Allele origin: germline. Affected: yes. Observed: 1 variant allele.
Comment: PTCH1: PM2:Supporting, BP4, BP7

Labcorp Genetics (formerly Invitae), Labcorp
Classification: Likely benign for Gorlin syndrome. Last evaluated: 2019-07-29. Review status: criteria provided, single submitter. Criteria: Invitae Variant Classification Sherloc (09022015). Collection method: clinical testing. Allele origin: germline.

NM_000264.5(PTCH1):c.3873G>A (p.Gly1291=)

Gene: PTCH1 (patched 1; minus strand). Cytogenetic location: 9q22.32.
Variant type: single nucleotide variant.
Coding change: c.3873G>A on transcript NM_000264.5 (MANE Select); coding-DNA position 3873, G replaced by A.
Protein change: p.Gly1291=; no amino-acid change (glycine 1291 retained).
Molecular consequence: synonymous variant. On other transcripts: non-coding transcript variant (1).
Genome position (GRCh38, 1-based): chr9:95,447,383, C>T on the plus strand (G>A on the coding strand, the complement: PTCH1 is on the minus strand). VCF-style: chr9-95447383-C-T. GRCh37 (hg19) VCF-style: chr9-98209665-C-T.
Other names: c.3675G>A, p.Gly1225= (NM_001083602.3); c.3870G>A, p.Gly1290= (NM_001083603.3); c.3420G>A, p.Gly1140= (NM_001083604.3, NM_001083605.3, NM_001083606.3 and 1 more transcripts); c.3717G>A, p.Gly1239= (NM_001354918.2); c.3873G>A (NM_000264.3).
Identifiers: ClinVar variation 1077373 (VCV001077373.29), dbSNP rs2136583413, ClinGen allele CA466351748.